The following is an entry in ClinVar:

NM_000238.4(KCNH2):c.1816T>C (p.Ser606Pro)

Gene: KCNH2 (potassium voltage-gated channel subfamily H member 2; minus strand). Cytogenetic location: 7q36.1.
Variant type: single nucleotide variant.
Coding change: c.1816T>C on transcript NM_000238.4 (MANE Select); coding-DNA position 1816, T replaced by C.
Protein change: p.Ser606Pro; replaces serine 606 with proline.
Molecular consequence: missense variant.
Genome position (GRCh38, 1-based): chr7:150,951,577, A>G on the plus strand (T>C on the coding strand, the complement: KCNH2 is on the minus strand). VCF-style: chr7-150951577-A-G. GRCh37 (hg19) VCF-style: chr7-150648665-A-G.
Other names: c.1816T>C (LRG_288t1); c.796T>C, p.Ser266Pro (NM_001204798.2, NM_172057.3); c.1528T>C, p.Ser510Pro (NM_001406753.1, NM_001406756.1); c.1639T>C, p.Ser547Pro (NM_001406755.1); c.1516T>C, p.Ser506Pro (NM_001406757.1); c.1816T>C, p.Ser606Pro (NM_172056.3); short protein forms S266P, S606P, S506P, S510P, S547P.
Identifiers: ClinVar variation 67285 (VCV000067285.3), dbSNP rs199473523, ClinGen allele CA005586.

ClinVar aggregate classification (germline): not provided (0 of 4 stars; one submission).

Conditions:
Familial long QT syndrome (RWS). Also called: Congenital long QT syndrome; Romano-Ward syndrome; VENTRICULAR FIBRILLATION WITH PROLONGED QT INTERVAL. Identifiers: Orphanet 768, MedGen C1141890, MONDO:0019171.

Submission:

Cardiovascular Biomedical Research Unit, Royal Brompton & Harefield NHS Foundation Trust
No classification provided. Condition: Familial long QT syndrome. Review status: no classification provided. Collection method: literature only. Allele origin: germline.
Comment: This variant has been reported as associated with Long QT syndrome in the following publications (PMID:18441445). This is a literature report, and does not necessarily reflect the clinical interpretation of the Imperial College / Royal Brompton Cardiovascular Genetics laboratory.

Literature cited by the submitters: PubMed 18441445; PubMed 22581653.